The following is an entry in ClinVar:

ClinVar aggregate classification (germline): Uncertain significance (0 of 4 stars; one submission).

Conditions:
CHEK1-related disorder. Also called: CHEK1-related condition.

Submission:

PreventionGenetics, part of Exact Sciences
Classification: Uncertain significance for CHEK1-related condition. Last evaluated: 2024-01-04. Review status: no assertion criteria provided. Collection method: clinical testing. Allele origin: germline.
Comment: The CHEK1 c.7T>A variant is predicted to result in the amino acid substitution p.Ser3Thr. To our knowledge, this variant has not been reported in the literature or in a large population database, indicating this variant is rare. At this time, the clinical significance of this variant is uncertain due to the absence of conclusive functional and genetic evidence.

NM_001114122.3(CHEK1):c.-266T>A

Genes: CHEK1 (checkpoint kinase 1; plus strand), LOC118567325 (uncharacterized LOC118567325; minus strand), LOC130007016 (ATAC-STARR-seq lymphoblastoid active region 5700; plus strand). Cytogenetic location: 11q24.2.
Variant type: single nucleotide variant.
Coding change: c.-266T>A on transcript NM_001114122.3 (MANE Select); 266 bases upstream of the start codon, T replaced by A.
Molecular consequence: 5 prime UTR variant. On other transcripts: non-coding transcript variant (2).
Genome position (GRCh38, 1-based): chr11:125,625,767, T>A. VCF-style: chr11-125625767-T-A. GRCh37 (hg19) VCF-style: chr11-125495662-T-A.
Other names: c.-266T>A (NM_001114121.2, NM_001244846.1); c.-345T>A (NM_001330427.2).
Identifiers: ClinVar variation 3033465 (VCV003033465.2), dbSNP rs2498238508, ClinGen allele CA383188421.
Genomic context (GRCh38, chr11:125,625,767, plus strand): 5'-GAGCCTCACACCGGATGCCACTTCATATTTGGGCCCAGAGCTCAATTCGCGCCGATGCGG[T>A]CCGCCGTCCTTAAATCTCTTCAGCCAGGATCTCTCCCCGACTGCAAAGCAGCCCTGGGCG-3'